The following is an entry in ClinVar:

ClinVar aggregate classification (germline): Likely benign (0 of 4 stars; one submission).

Conditions:
FAM149B1-related disorder. Also called: FAM149B1-related condition.

Allele frequency attached by ClinVar (database versions not stated): gnomAD 0.00004; gnomAD exomes 0.00005; TOPMed 0.00024.
gnomAD v4.1: 83 of 1,551,800 alleles (0.0053%); highest among the groups gnomAD compares: Admixed American, 0.14%; 1 homozygote.

Submission:

PreventionGenetics, part of Exact Sciences
Classification: Likely benign for FAM149B1-related condition. Last evaluated: 2022-04-21. Review status: no assertion criteria provided. Collection method: clinical testing. Allele origin: germline.
Comment: This variant is classified as likely benign based on ACMG/AMP sequence variant interpretation guidelines (Richards et al. 2015 PMID: 25741868, with internal and published modifications).

NM_173348.2(FAM149B1):c.1417C>T (p.Pro473Ser)

Genes: DNAJC9 (DnaJ heat shock protein family (Hsp40) member C9; minus strand), FAM149B1 (family with sequence similarity 149 member B1; plus strand). Cytogenetic location: 10q22.2.
Variant type: single nucleotide variant.
Coding change: c.1417C>T on transcript NM_173348.2 (MANE Select); coding-DNA position 1417, C replaced by T.
Protein change: p.Pro473Ser; replaces proline 473 with serine.
Molecular consequence: missense variant.
Genome position (GRCh38, 1-based): chr10:73,234,881, C>T. VCF-style: chr10-73234881-C-T. GRCh37 (hg19) VCF-style: chr10-74994639-C-T.
Other names: short protein forms P473S.
Identifiers: ClinVar variation 3039524 (VCV003039524.2), dbSNP rs796588524, ClinGen allele CA209591417.